The following is an entry in ClinVar:

ClinVar aggregate classification (germline): Likely benign. Review status: criteria provided, single submitter (1 of 4 stars). 2 submissions from 2 submitters: Likely benign (1). 1 of the submissions does not count toward it. Last evaluated 2024-02-24.

Conditions:
PCNT-related disorder. Also called: PCNT-related condition.

Allele frequency attached by ClinVar (database versions not stated): gnomAD 0.00001; ExAC 0.00002; gnomAD exomes 0.00002 and 0.00003; TOPMed 0.00002.
gnomAD v4.1: 20 of 1,614,026 alleles (0.0012%); highest among the groups gnomAD compares: East Asian, 0.0067%; no homozygotes.

Submissions (2):

Labcorp Genetics (formerly Invitae), Labcorp
Classification: Likely benign. Last evaluated: 2024-02-24. Review status: criteria provided, single submitter. Criteria: Invitae Variant Classification Sherloc (09022015). Collection method: clinical testing. Allele origin: germline.

PreventionGenetics, part of Exact Sciences
Classification: Likely benign for PCNT-related condition. Last evaluated: 2024-09-04. Review status: no assertion criteria provided. Collection method: clinical testing. Allele origin: germline. Not counted in ClinVar's aggregate classification.
Comment: This variant is classified as likely benign based on ACMG/AMP sequence variant interpretation guidelines (Richards et al. 2015 PMID: 25741868, with internal and published modifications).

NM_006031.6(PCNT):c.9183G>A (p.Thr3061=)

Gene: PCNT (pericentrin; plus strand). Cytogenetic location: 21q22.3.
Variant type: single nucleotide variant.
Coding change: c.9183G>A on transcript NM_006031.6 (MANE Select); coding-DNA position 9183, G replaced by A.
Protein change: p.Thr3061=; no amino-acid change (threonine 3061 retained).
Molecular consequence: synonymous variant.
Genome position (GRCh38, 1-based): chr21:46,438,247, G>A. VCF-style: chr21-46438247-G-A. GRCh37 (hg19) VCF-style: chr21-47858160-G-A.
Other names: c.9183G>A (NM_006031.5); c.8592G>A, p.Thr2864= (NM_001315529.2).
Identifiers: ClinVar variation 1628886 (VCV001628886.9), dbSNP rs747455040, ClinGen allele CA10081231.
Genomic context (GRCh38, chr21:46,438,247, plus strand): 5'-GTTCCAGTTTGTGGACGTCCTGCTGAAAGACAATGTTTCCCTCACAAAAGCGCTCAGCAC[G>A]GTGACCCAGGAGAAGCTGGAGCTGAGCAGAGCCGTGTCTAAGCTTGAGAAGTTGCTGAAG-3'
Protein context (NP_006022.3, residues 3051-3071): DNVSLTKALS[Thr3061=]VTQEKLELSR